The following is an entry in ClinVar:

ClinVar aggregate classification (germline): Conflicting classifications of pathogenicity. Review status: criteria provided, conflicting classifications (1 of 4 stars). 4 submissions from 4 submitters: Uncertain significance (2); Benign (1). 1 of the submissions does not count toward it. Last evaluated 2025-07-18.

Conditions:
3-Oxo-5 alpha-steroid delta 4-dehydrogenase deficiency (PPSH). Also called: PSEUDOVAGINAL PERINEOSCROTAL HYPOSPADIAS; FAMILIAL INCOMPLETE MALE PSEUDOHERMAPHRODITISM, TYPE 2; MALE PSEUDOHERMAPHRODITISM DUE TO 5-ALPHA-REDUCTASE DEFICIENCY; 46,XY disorder of sex development due to 5-alpha-reductase 2 deficiency. Identifiers: Orphanet 753, MedGen C0268297, MONDO:0009923, OMIM 264600. Disease mechanism: loss of function.
Hypogonadotropic hypogonadism 5 with or without anosmia (KAL5). Also called: HYPOGONADOTROPIC HYPOGONADISM 5 WITH ANOSMIA; HYPOGONADOTROPHIC HYPOGONADISM 5 WITHOUT ANOSMIA; CHD7-Related GnRH Deficiency (Kallmann Syndrome 5). Identifiers: Orphanet 478, MedGen C3552553, MONDO:0012880, OMIM 612370. Disease mechanism: loss of function.
CHARGE syndrome (CHARGE). Also called: Hittner Hirsch Kreh syndrome; CHARGE ASSOCIATION--COLOBOMA, HEART ANOMALY, CHOANAL ATRESIA, RETARDATION, GENITAL AND EAR ANOMALIES; Coloboma, heart anomaly, choanal atresia, retardation, genital and ear anomalies; CHARGE association; Hall-Hittner syndrome. Identifiers: Orphanet 138, MedGen C0265354, MONDO:0008965.

Allele frequency attached by ClinVar (database versions not stated): gnomAD 0.00001; gnomAD exomes 0.00001; TOPMed 0.00002; ExAC 0.00004.
gnomAD v4.1: 5 of 1,512,468 alleles (0.00033%); highest among the groups gnomAD compares: East Asian, 0.011%; no homozygotes.

Submissions (4):

GeneDx
Classification: Uncertain significance. Last evaluated: 2025-07-18. Review status: criteria provided, single submitter. Criteria: GeneDx Variant Classification Process June 2021. Collection method: clinical testing. Allele origin: germline. Affected: yes.
Comment: In silico analysis suggests that this missense variant does not alter protein structure/function; Has not been previously published as pathogenic or benign to our knowledge

Fulgent Genetics
Classification: Uncertain significance for CHD7-related CHARGE syndrome; Hypogonadotropic hypogonadism 5 with or without anosmia. Last evaluated: 2024-05-31. Review status: criteria provided, single submitter. Criteria: ACMG Guidelines, 2015. Collection method: clinical testing. Allele origin: germline.

Labcorp Genetics (formerly Invitae), Labcorp
Classification: Benign for CHARGE syndrome. Last evaluated: 2022-06-20. Review status: criteria provided, single submitter. Criteria: Invitae Variant Classification Sherloc (09022015). Collection method: clinical testing. Allele origin: germline.

Department of Urology, Children's Hospital, Zhejiang University School of Medicine
Classification: Uncertain significance for 3-Oxo-5 alpha-steroid delta 4-dehydrogenase deficiency. Last evaluated: 2025-04-10. Review status: no assertion criteria provided. Criteria: Submitter's publication. Collection method: provider interpretation. Allele origin: paternal. Affected: yes. Not counted in ClinVar's aggregate classification.

NM_017780.4(CHD7):c.6766C>G (p.Gln2256Glu)

Gene: CHD7 (chromodomain helicase DNA binding protein 7; plus strand). Cytogenetic location: 8q12.2.
Variant type: single nucleotide variant.
Coding change: c.6766C>G on transcript NM_017780.4 (MANE Select); coding-DNA position 6766, C replaced by G.
Protein change: p.Gln2256Glu; replaces glutamine 2256 with glutamic acid.
Molecular consequence: missense variant. On other transcripts: intron variant (1).
Genome position (GRCh38, 1-based): chr8:60,853,491, C>G. VCF-style: chr8-60853491-C-G. GRCh37 (hg19) VCF-style: chr8-61766050-C-G.
Other names: c.1717-8738C>G (NM_001316690.1); short protein forms Q2256E.
Identifiers: ClinVar variation 2196400 (VCV002196400.7), dbSNP rs748511141, ClinGen allele CA4760648.